The following is an entry in ClinVar:

NM_005862.3(STAG1):c.3066-4C>A

Gene: STAG1 (STAG1 cohesin complex component; minus strand). Cytogenetic location: 3q22.3.
Variant type: single nucleotide variant.
Coding change: c.3066-4C>A on transcript NM_005862.3 (MANE Select); 4 bases into the intron before coding-DNA position 3066, C replaced by A.
Molecular consequence: intron variant.
Genome position (GRCh38, 1-based): chr3:136,349,367, G>T on the plus strand (C>A on the coding strand, the complement: STAG1 is on the minus strand). VCF-style: chr3-136349367-G-T. GRCh37 (hg19) VCF-style: chr3-136068209-G-T.
Identifiers: ClinVar variation 2231624 (VCV002231624.4), dbSNP rs1268657053, ClinGen allele CA546891669.

ClinVar aggregate classification (germline): Conflicting classifications of pathogenicity. Review status: criteria provided, conflicting classifications (1 of 4 stars). 2 submissions from 2 submitters: Uncertain significance (1); Likely benign (1). Last evaluated 2025-04-21.

Conditions:
Inborn genetic diseases. Identifiers: MedGen C0950123, MeSH D030342.

Allele frequency attached by ClinVar (database versions not stated): gnomAD exomes below 0.00001.
gnomAD v4.1: 3 of 1,608,866 alleles (0.00019%); highest among the groups gnomAD compares: Admixed American, 0.005%; no homozygotes.

Submissions (2):

Labcorp Genetics (formerly Invitae), Labcorp
Classification: Likely benign. Last evaluated: 2025-04-21. Review status: criteria provided, single submitter. Criteria: Invitae Variant Classification Sherloc (09022015). Collection method: clinical testing. Allele origin: germline.

Ambry Genetics
Classification: Uncertain significance for Inborn genetic diseases. Last evaluated: 2021-07-17. Review status: criteria provided, single submitter. Criteria: Ambry Variant Classification Scheme 2023. Collection method: clinical testing. Allele origin: germline.
Comment: The c.3066-4C>A intronic alteration consists of a C to A substitution 4 nucleotides before coding exon 28 in the STAG1 gene. Based on insufficient or conflicting evidence, the clinical significance of this alteration remains unclear.